The following is an entry in ClinVar:

NM_000334.4(SCN4A):c.623A>G (p.Glu208Gly)

Gene: SCN4A (sodium voltage-gated channel alpha subunit 4; minus strand). Cytogenetic location: 17q23.3.
Variant type: single nucleotide variant.
Coding change: c.623A>G on transcript NM_000334.4 (MANE Select); coding-DNA position 623, A replaced by G.
Protein change: p.Glu208Gly; replaces glutamic acid 208 with glycine.
Molecular consequence: missense variant.
Genome position (GRCh38, 1-based): chr17:63,971,242, T>C on the plus strand (A>G on the coding strand, the complement: SCN4A is on the minus strand). VCF-style: chr17-63971242-T-C. GRCh37 (hg19) VCF-style: chr17-62048602-T-C.
Other names: short protein forms E208G.
Identifiers: ClinVar variation 3764172 (VCV003764172.1).
Genomic context (GRCh38, chr17:63,971,242, plus strand): 5'-TTGAGGGCCCGCAGCACCCGGAAGGTCCTCAGGGCTGAGATGTTGCCCAAGTCCACAAAC[T>C]CTGTCAGGTACCTGGGTAGGGGGTGGAGGGGGGTGGGGACTGTCAGAGCCTGGGGTGGGT-3'
Protein context (NP_000325.4, residues 198-218): FSVIMMAYLT[Glu208Gly]FVDLGNISAL

ClinVar aggregate classification (germline): Uncertain significance (1 of 4 stars; one submission).

gnomAD v4.1: 1 of 1,541,002 alleles (0.000065%); highest among the groups gnomAD compares: Non-Finnish European, 0.000088%; no homozygotes.

Submission:

GeneDx
Classification: Uncertain significance. Last evaluated: 2024-08-19. Review status: criteria provided, single submitter. Criteria: GeneDx Variant Classification Process June 2021. Collection method: clinical testing. Allele origin: germline. Affected: yes.
Comment: Not observed at significant frequency in large population cohorts (gnomAD); In silico analysis supports that this missense variant has a deleterious effect on protein structure/function; Has not been previously published as pathogenic or benign to our knowledge